The following is an entry in ClinVar:

ClinVar aggregate classification (germline): Uncertain significance. Review status: criteria provided, multiple submitters, no conflicts (2 of 4 stars). 2 submissions from 2 submitters: Uncertain significance (2). Last evaluated 2025-07-18.

Conditions:
Cardiovascular phenotype. Identifiers: MedGen CN230736.
Arrhythmogenic right ventricular dysplasia 10. Also called: Arrhythmogenic Right Ventricular Dysplasia/Cardiomyopathy10; Arrhythmogenic right ventricular dysplasia/cardiomyopathy, type 10; ARRHYTHMOGENIC RIGHT VENTRICULAR DYSPLASIA, FAMILIAL, 10. Identifiers: MedGen C1857777, MONDO:0012434, OMIM 610193.

Submissions (2):

Labcorp Genetics (formerly Invitae), Labcorp
Classification: Uncertain significance for Arrhythmogenic right ventricular dysplasia 10. Last evaluated: 2025-07-18. Review status: criteria provided, single submitter. Criteria: Invitae Variant Classification Sherloc (09022015). Collection method: clinical testing. Allele origin: germline.
Comment: This sequence change replaces alanine, which is neutral and non-polar, with serine, which is neutral and polar, at codon 50 of the DSG2 protein (p.Ala50Ser). This variant is not present in population databases (gnomAD no frequency). This variant has not been reported in the literature in individuals affected with DSG2-related conditions. ClinVar contains an entry for this variant (Variation ID: 1483381). Invitae Evidence Modeling of protein sequence and biophysical properties (such as structural, functional, and spatial information, amino acid conservation, physicochemical variation, residue mobility, and thermodynamic stability) indicates that this missense variant is not expected to disrupt DSG2 protein function with a negative predictive value of 95%. In summary, the available evidence is currently insufficient to determine the role of this variant in disease. Therefore, it has been classified as a Variant of Uncertain Significance.

Ambry Genetics
Classification: Uncertain significance for Cardiovascular phenotype. Last evaluated: 2025-01-06. Review status: criteria provided, single submitter. Criteria: Ambry Variant Classification Scheme 2023. Collection method: clinical testing. Allele origin: germline.
Comment: The p.A50S variant (also known as c.148G>T), located in coding exon 3 of the DSG2 gene, results from a G to T substitution at nucleotide position 148. The alanine at codon 50 is replaced by serine, an amino acid with similar properties. This amino acid position is conserved. In addition, this alteration is predicted to be tolerated by in silico analysis. Based on the available evidence, the clinical significance of this variant remains unclear.

NM_001943.5(DSG2):c.148G>T (p.Ala50Ser)

Gene: DSG2 (desmoglein 2; plus strand). Cytogenetic location: 18q12.1.
Variant type: single nucleotide variant.
Coding change: c.148G>T on transcript NM_001943.5 (MANE Select); coding-DNA position 148, G replaced by T.
Protein change: p.Ala50Ser; replaces alanine 50 with serine.
Molecular consequence: missense variant.
Genome position (GRCh38, 1-based): chr18:31,519,869, G>T. VCF-style: chr18-31519869-G-T. GRCh37 (hg19) VCF-style: chr18-29099832-G-T.
Other names: c.148G>T (NM_001943.3); short protein forms A50S.
Identifiers: ClinVar variation 1483381 (VCV001483381.10), dbSNP rs1267795586, ClinGen allele CA402130794.